The following is an entry in ClinVar:

NM_004820.5(CYP7B1):c.1147G>A (p.Gly383Arg)

Gene: CYP7B1 (cytochrome P450 family 7 subfamily B member 1; minus strand). Cytogenetic location: 8q12.3.
Variant type: single nucleotide variant.
Coding change: c.1147G>A on transcript NM_004820.5 (MANE Select); coding-DNA position 1147, G replaced by A.
Protein change: p.Gly383Arg; replaces glycine 383 with arginine.
Molecular consequence: missense variant.
Genome position (GRCh38, 1-based): chr8:64,604,768, C>T on the plus strand (G>A on the coding strand, the complement: CYP7B1 is on the minus strand). VCF-style: chr8-64604768-C-T. GRCh37 (hg19) VCF-style: chr8-65517325-C-T.
Other names: c.1147G>A (NM_004820.4); c.1147G>A, p.Gly383Arg (NM_001324112.2); short protein forms G383R.
Identifiers: ClinVar variation 447231 (VCV000447231.8), dbSNP rs747144103, ClinGen allele CA4764042.
Genomic context (GRCh38, chr8:64,604,768, plus strand): 5'-CACCATGTAGGACTGGAGGAAAGATGGCTACCAAGTCTCCCTTTCGCACACAGTAGTCCC[C>T]GGTCTCTGAACTGAGAGTCAAATCCTCCTCAACAAAACGAATGGTGGTTGAATATGAGGA-3'
Protein context (NP_004811.1, residues 373-393): EEDLTLSSET[Gly383Arg]DYCVRKGDLV

ClinVar aggregate classification (germline): Uncertain significance. Review status: criteria provided, multiple submitters, no conflicts (2 of 4 stars). 4 submissions from 4 submitters: Uncertain significance (4). Last evaluated 2025-11-26.

Conditions:
CYP7B1-related disorder. Also called: CYP7B1-related condition.
Inborn genetic diseases. Identifiers: MedGen C0950123, MeSH D030342.
Spastic paraplegia. Identifiers: MedGen C0037772, HP:0001258.

Allele frequency attached by ClinVar (database versions not stated): ExAC 0.00005; gnomAD exomes 0.00006.

Submissions (4):

Ambry Genetics
Classification: Uncertain significance for Inborn genetic diseases. Last evaluated: 2025-11-26. Review status: criteria provided, single submitter. Criteria: Ambry Variant Classification Scheme 2023. Collection method: clinical testing. Allele origin: germline.

PreventionGenetics, part of Exact Sciences
Classification: Uncertain significance for CYP7B1-related condition. Last evaluated: 2025-07-15. Review status: criteria provided, single submitter. Criteria: ACMG Guidelines, 2015. Collection method: clinical testing. Allele origin: germline.
Comment: The CYP7B1 c.1147G>A variant is predicted to result in the amino acid substitution p.Gly383Arg. To our knowledge, this variant has not been reported in the literature. This variant is reported in 0.033% of alleles in individuals of South Asian descent in gnomAD. At this time, the clinical significance of this variant is uncertain due to the absence of conclusive functional and genetic evidence.

Labcorp Genetics (formerly Invitae), Labcorp
Classification: Uncertain significance for Spastic paraplegia. Last evaluated: 2021-09-01. Review status: criteria provided, single submitter. Criteria: Invitae Variant Classification Sherloc (09022015). Collection method: clinical testing. Allele origin: germline.
Comment: This sequence change replaces glycine with arginine at codon 383 of the CYP7B1 protein (p.Gly383Arg). The glycine residue is weakly conserved and there is a moderate physicochemical difference between glycine and arginine. This variant is present in population databases (rs747144103, ExAC 0.03%). This variant has not been reported in the literature in individuals affected with CYP7B1-related conditions. ClinVar contains an entry for this variant (Variation ID: 447231). Algorithms developed to predict the effect of missense changes on protein structure and function (SIFT, PolyPhen-2, Align-GVGD) all suggest that this variant is likely to be tolerated. In summary, the available evidence is currently insufficient to determine the role of this variant in disease. Therefore, it has been classified as a Variant of Uncertain Significance.

Athena Diagnostics
Classification: Uncertain significance. Last evaluated: 2016-10-28. Review status: criteria provided, single submitter. Criteria: Athena Diagnostics Criteria. Collection method: clinical testing. Allele origin: germline.